The following is an entry in ClinVar:

NM_000052.7(ATP7A):c.3044G>C (p.Gly1015Ala)

Gene: ATP7A (ATPase copper transporting alpha; plus strand). Cytogenetic location: Xq21.1.
Variant type: single nucleotide variant.
Coding change: c.3044G>C on transcript NM_000052.7 (MANE Select); coding-DNA position 3044, G replaced by C.
Protein change: p.Gly1015Ala; replaces glycine 1015 with alanine.
Molecular consequence: missense variant.
Genome position (GRCh38, 1-based): chrX:78,029,377, G>C. VCF-style: chrX-78029377-G-C. GRCh37 (hg19) VCF-style: chrX-77284874-G-C.
Other names: c.3044G>C (NM_000052.6); c.2810G>C, p.Gly937Ala (NM_001282224.2); short protein forms G1015A, G937A.
Identifiers: ClinVar variation 1186039 (VCV001186039.3), dbSNP rs2149104921, ClinGen allele CA413603266.

ClinVar aggregate classification (germline): Uncertain significance. Review status: criteria provided, multiple submitters, no conflicts (2 of 4 stars). 2 submissions from 2 submitters: Uncertain significance (2). Last evaluated 2023-05-10.

gnomAD v4.1: 1 of 1,211,373 alleles (0.000083%); highest among the groups gnomAD compares: Non-Finnish European, 0.00011%; no homozygotes.

Submissions (2):

Women's Health and Genetics/Laboratory Corporation of America, LabCorp
Classification: Uncertain significance. Last evaluated: 2023-05-10. Review status: criteria provided, single submitter. Criteria: LabCorp Variant Classification Summary - May 2015. Collection method: clinical testing. Allele origin: germline.
Comment: Variant summary: ATP7A c.3044G>C (p.Gly1015Ala) results in a non-conservative amino acid change in the encoded protein sequence. Four of five in-silico tools predict a damaging effect of the variant on protein function. The variant was absent in 183178 control chromosomes (gnomAD). The available data on variant occurrences in the general population are insufficient to allow any conclusion about variant significance. To our knowledge, no occurrence of c.3044G>C in individuals affected with Menkes Kinky-Hair Syndrome and no experimental evidence demonstrating its impact on protein function have been reported. One ClinVar submitter has assessed the variant since 2014: the variant was classified as uncertain significance. Based on the evidence outlined above, the variant was classified as uncertain significance.

GeneDx
Classification: Uncertain significance. Last evaluated: 2020-04-29. Review status: criteria provided, single submitter. Criteria: GeneDx Variant Classification Process June 2021. Collection method: clinical testing. Allele origin: germline. Affected: yes.
Comment: Not observed in large population cohorts (Lek et al., 2016); In silico analysis, which includes protein predictors and evolutionary conservation, supports a deleterious effect; Has not been previously published as pathogenic or benign to our knowledge